The following is an entry in ClinVar:

NM_006516.4(SLC2A1):c.115-2A>G

Gene: SLC2A1 (solute carrier family 2 member 1; minus strand). Cytogenetic location: 1p34.2.
Variant type: single nucleotide variant.
Coding change: c.115-2A>G on transcript NM_006516.4 (MANE Select); the canonical splice acceptor site of the intron before coding-DNA position 115, A replaced by G.
Molecular consequence: splice acceptor variant.
Genome position (GRCh38, 1-based): chr1:42,931,208, T>C on the plus strand (A>G on the coding strand, the complement: SLC2A1 is on the minus strand). VCF-style: chr1-42931208-T-C. GRCh37 (hg19) VCF-style: chr1-43396879-T-C.
Identifiers: ClinVar variation 1698134 (VCV001698134.5), dbSNP rs2124450950, ClinGen allele CA339962696.
Genomic context (GRCh38, chr1:42,931,208, plus strand): 5'-GGCAGGATGCTCTCCCCATAGCGGTGGACCCATGTCTGGTTGTAGAACTCCTCGATCACC[T>C]GCAGGGGGAGATGCAGCCTGGGTGAGCAAGCCAGGGGCCAGGACCCAGTCTTCCTTTTCC-3'

ClinVar aggregate classification (germline): Pathogenic. Review status: criteria provided, multiple submitters, no conflicts (2 of 4 stars). 3 submissions from 3 submitters: Pathogenic (3). Last evaluated 2023-05-25.

Conditions:
Encephalopathy due to GLUT1 deficiency. Also called: GLUCOSE TRANSPORT DEFECT, BLOOD-BRAIN BARRIER; De Vivo disease; GLUT1 deficiency syndrome 1, infantile onset, severe; Glucose transporter protein syndrome; GLUT1 deficiency syndrome 1; Classic Glucose Transporter Type 1 Deficiency Syndrome. Identifiers: Orphanet 71277, MedGen C4551966, MONDO:0011724, OMIM 606777.

Submissions (3):

Institute of Human Genetics, University of Leipzig Medical Center
Classification: Pathogenic for Encephalopathy due to GLUT1 deficiency. Last evaluated: 2023-05-25. Review status: criteria provided, single submitter. Criteria: ACMG Guidelines, 2015. Collection method: clinical testing. Allele origin: unknown. Inheritance: Autosomal dominant inheritance. Affected: yes.
Comment: Criteria applied: PVS1,PS2_MOD,PS4_MOD,PM2_SUP

Genome-Nilou Lab
Classification: Pathogenic for Encephalopathy due to GLUT1 deficiency. Last evaluated: 2023-04-11. Review status: criteria provided, single submitter. Criteria: ACMG Guidelines, 2015. Collection method: clinical testing. Allele origin: germline. Affected: no.

GeneDx
Classification: Pathogenic. Last evaluated: 2022-07-20. Review status: criteria provided, single submitter. Criteria: GeneDx Variant Classification Process June 2021. Collection method: clinical testing. Allele origin: germline. Affected: yes.
Comment: Canonical splice site variant in a gene for which loss-of-function is a known mechanism of disease; Not observed at significant frequency in large population cohorts (gnomAD); This variant is associated with the following publications: (PMID: 29190809)